The following is an entry in ClinVar:

ClinVar aggregate classification (germline): Benign (0 of 4 stars; one submission).

Conditions:
MDN1-related disorder. Also called: MDN1-related condition.

Allele frequency attached by ClinVar (database versions not stated): gnomAD exomes 0.00023; ExAC 0.00084; gnomAD 0.00242; ESP Exome Variant Server 0.00277; TOPMed 0.00281; 1000 Genomes Project 30x 0.00375; 1000 Genomes Project 0.00379.
gnomAD v4.1: 715 of 1,614,194 alleles (0.044%); highest among the groups gnomAD compares: African/African-American, 0.82%; 5 homozygotes.

Submission:

PreventionGenetics, part of Exact Sciences
Classification: Benign for MDN1-related condition. Last evaluated: 2019-03-08. Review status: no assertion criteria provided. Collection method: clinical testing. Allele origin: germline.
Comment: This variant is classified as benign based on ACMG/AMP sequence variant interpretation guidelines (Richards et al. 2015 PMID: 25741868, with internal and published modifications).

NM_014611.3(MDN1):c.16335C>T (p.Tyr5445=)

Genes: MDN1 (midasin AAA ATPase 1; minus strand), MDN1-AS1 (MDN1 antisense RNA 1; plus strand). Cytogenetic location: 6q15.
Variant type: single nucleotide variant.
Coding change: c.16335C>T on transcript NM_014611.3 (MANE Select); coding-DNA position 16335, C replaced by T.
Protein change: p.Tyr5445=; no amino-acid change (tyrosine 5445 retained).
Molecular consequence: synonymous variant.
Genome position (GRCh38, 1-based): chr6:89,648,092, G>A on the plus strand (C>T on the coding strand, the complement: MDN1 is on the minus strand). VCF-style: chr6-89648092-G-A. GRCh37 (hg19) VCF-style: chr6-90357811-G-A.
Identifiers: ClinVar variation 3038976 (VCV003038976.2), dbSNP rs34703897, ClinGen allele CA3921998.